The following is an entry in ClinVar:

ClinVar aggregate classification (germline): Benign/Likely benign. Review status: criteria provided, multiple submitters, no conflicts (2 of 4 stars). 11 submissions from 11 submitters: Benign (8); Likely benign (1). 2 of the submissions do not count toward it. Last evaluated 2026-02-04.

Conditions:
Supravalvar aortic stenosis (SVAS). Also called: Supravalvar aortic stenosis, Eisenberg type. Identifiers: Orphanet 3193, MedGen C0003499, MONDO:0008504, OMIM 185500, HP:0004381.
Cutis laxa, autosomal dominant 1 (ADCL1). Also called: ELN-Related Cutis Laxa. Identifiers: Orphanet 90348, MedGen C3276539, MONDO:0007411, OMIM 123700. Disease mechanism: Dominant Negative.

Allele frequency attached by ClinVar (database versions not stated): ExAC 0.07119; ESP Exome Variant Server 0.07251; 1000 Genomes Project 30x 0.03857; 1000 Genomes Project 0.04014; TOPMed 0.06132.
gnomAD v4.1: 137,839 of 1,614,208 alleles (8.5%); highest among the groups gnomAD compares: Non-Finnish European, 9.9%; 6,730 homozygotes.

Submissions (17):

Labcorp Genetics (formerly Invitae), Labcorp
Classification: Benign for Supravalvar aortic stenosis. Last evaluated: 2026-02-04. Review status: criteria provided, single submitter. Criteria: Invitae Variant Classification Sherloc (09022015). Collection method: clinical testing. Allele origin: germline.

Molecular Diagnostic Laboratory for Inherited Cardiovascular Disease, Montreal Heart Institute
Classification: Benign. Last evaluated: 2025-04-09. Review status: criteria provided, single submitter. Criteria: ACMG Guidelines, 2015. Collection method: clinical testing. Allele origin: germline. Affected: no.

Blueprint Genetics
Classification: Benign. Last evaluated: 2024-11-27. Review status: criteria provided, single submitter. Criteria: ACMG Guidelines, 2015. Collection method: clinical testing. Allele origin: germline.

Women's Health and Genetics/Laboratory Corporation of America, LabCorp
Classification: Likely benign. Last evaluated: 2023-04-04. Review status: criteria provided, single submitter. Criteria: LabCorp Variant Classification Summary - May 2015. Collection method: clinical testing. Allele origin: germline.

Mayo Clinic Laboratories, Mayo Clinic
Classification: Benign. Last evaluated: 2023-01-23. Review status: criteria provided, single submitter. Criteria: ACMG Guidelines, 2015. Collection method: clinical testing. Allele origin: germline. Observed: 3 variant alleles.

Genome-Nilou Lab
Classification: Benign for Cutis laxa, autosomal dominant 1. Last evaluated: 2021-07-30. Review status: criteria provided, single submitter. Criteria: ACMG Guidelines, 2015. Collection method: clinical testing. Allele origin: germline. Affected: no.

Laboratory for Molecular Medicine, Mass General Brigham Personalized Medicine
Classification: Benign. Last evaluated: 2015-09-02. Review status: criteria provided, single submitter. Criteria: LMM Criteria. Collection method: clinical testing. Allele origin: germline. Observed: 18 variant alleles.
Comment: p.Gly581Arg in exon 25 of ELN: This variant is not expected to have clinical sig nificance because it has been identified in 9% (6470/66700) of European chromoso mes by the Exome Aggregation Consortium (ExAC; d bSNP rs17855988).

Breakthrough Genomics
Classification: Benign. Review status: criteria provided, single submitter. Criteria: ACMG Guidelines, 2015. Collection method: not provided. Allele origin: germline. Inheritance: Autosomal dominant inheritance. Affected: yes.

PreventionGenetics, part of Exact Sciences
Classification: Benign. Review status: criteria provided, single submitter. Criteria: ACMG Guidelines, 2015. Collection method: clinical testing. Allele origin: germline.

Dr. Peter K. Rogan Lab, Western University
No classification provided (evidence only). Condition: Colorectal cancer. Review status: no classification provided. Collection method: in vitro. Allele origin: not applicable. Functional consequence: skipped exon. Not counted in ClinVar's aggregate classification.

Dr. Peter K. Rogan Lab, Western University
No classification provided (evidence only). Condition: Colorectal cancer. Review status: no classification provided. Collection method: in vitro. Allele origin: not applicable. Functional consequence: skipped exon. Not counted in ClinVar's aggregate classification.

Dr. Peter K. Rogan Lab, Western University
No classification provided (evidence only). Condition: Colorectal cancer. Review status: no classification provided. Collection method: in vitro. Allele origin: not applicable. Functional consequence: retained intron. Not counted in ClinVar's aggregate classification.

Dr. Peter K. Rogan Lab, Western University
No classification provided (evidence only). Condition: Colorectal cancer. Review status: no classification provided. Collection method: in vitro. Allele origin: not applicable. Functional consequence: retained intron. Not counted in ClinVar's aggregate classification.

Dr. Peter K. Rogan Lab, Western University
No classification provided (evidence only). Condition: Colorectal cancer. Review status: no classification provided. Collection method: in vitro. Allele origin: not applicable. Functional consequence: retained intron. Not counted in ClinVar's aggregate classification.

Dr. Peter K. Rogan Lab, Western University
No classification provided (evidence only). Condition: Malignant lymphoma, large B-cell, diffuse. Review status: no classification provided. Collection method: in vitro. Allele origin: not applicable. Functional consequence: retained intron. Not counted in ClinVar's aggregate classification.

Genome Diagnostics Laboratory, Amsterdam University Medical Center
Classification: Benign. Review status: no assertion criteria provided. Collection method: clinical testing. Allele origin: germline. Affected: yes. Study: VKGL Data-share Consensus. Not counted in ClinVar's aggregate classification.

Joint Genome Diagnostic Labs from Nijmegen and Maastricht, Radboudumc and MUMC+
Classification: Likely benign. Review status: no assertion criteria provided. Collection method: clinical testing. Allele origin: germline. Affected: yes. Study: VKGL Data-share Consensus. Not counted in ClinVar's aggregate classification.

Literature cited by the submitters: PubMed 12555228 (cited by Laboratory for Molecular Medicine, Mass General Brigham Personalized Medicine); PubMed 11175284 (cited by Laboratory for Molecular Medicine, Mass General Brigham Personalized Medicine).

NM_000501.4(ELN):c.1741G>C (p.Gly581Arg)

Genes: ELN-AS1 (ELN antisense RNA 1; minus strand), ELN (elastin; plus strand). Cytogenetic location: 7q11.23.
Variant type: single nucleotide variant.
Coding change: c.1741G>C on transcript NM_000501.4 (MANE Select); coding-DNA position 1741, G replaced by C.
Protein change: p.Gly581Arg; replaces glycine 581 with arginine.
Molecular consequence: missense variant.
Genome position (GRCh38, 1-based): chr7:74,060,495, G>C. VCF-style: chr7-74060495-G-C. GRCh37 (hg19) VCF-style: chr7-73474825-G-C.
Other names: (hg19)chr7:g.73474706-73474930:c.1741G>C; p.Gly610Arg; c.1654G>C, p.Gly552Arg (NM_001081752.3); c.1699G>C, p.Gly567Arg (NM_001081753.3); c.1756G>C, p.Gly586Arg (NM_001081754.3); c.1684G>C, p.Gly562Arg (NM_001081755.3); c.1741G>C, p.Gly581Arg (NM_001278912.2); c.1498G>C, p.Gly500Arg (NM_001278913.2); and 7 more; short protein forms G581R, G533R, G571R, G610R, G557R, G587R, G500R, G567R.
Identifiers: ClinVar variation 177898 (VCV000177898.29), dbSNP rs17855988, ClinGen allele CA295651.